The following is an entry in ClinVar:

ClinVar aggregate classification (germline): Uncertain significance. Review status: criteria provided, multiple submitters, no conflicts (2 of 4 stars). 2 submissions from 2 submitters: Uncertain significance (2). Last evaluated 2022-11-13.

Conditions:
CHARGE syndrome (CHARGE). Also called: Hittner Hirsch Kreh syndrome; CHARGE ASSOCIATION--COLOBOMA, HEART ANOMALY, CHOANAL ATRESIA, RETARDATION, GENITAL AND EAR ANOMALIES; Coloboma, heart anomaly, choanal atresia, retardation, genital and ear anomalies; CHARGE association; Hall-Hittner syndrome. Identifiers: Orphanet 138, MedGen C0265354, MONDO:0008965.

gnomAD v4.1: 3 of 1,572,930 alleles (0.00019%); highest among the groups gnomAD compares: Non-Finnish European, 0.00026%; no homozygotes.

Submissions (2):

Labcorp Genetics (formerly Invitae), Labcorp
Classification: Uncertain significance for CHARGE syndrome. Last evaluated: 2022-11-13. Review status: criteria provided, single submitter. Criteria: Invitae Variant Classification Sherloc (09022015). Collection method: clinical testing. Allele origin: germline.
Comment: This sequence change replaces arginine, which is basic and polar, with cysteine, which is neutral and slightly polar, at codon 809 of the CHD7 protein (p.Arg809Cys). This variant is not present in population databases (gnomAD no frequency). This variant has not been reported in the literature in individuals affected with CHD7-related conditions. ClinVar contains an entry for this variant (Variation ID: 1213222). Advanced modeling of protein sequence and biophysical properties (such as structural, functional, and spatial information, amino acid conservation, physicochemical variation, residue mobility, and thermodynamic stability) performed at Invitae indicates that this missense variant is expected to disrupt CHD7 protein function. In summary, the available evidence is currently insufficient to determine the role of this variant in disease. Therefore, it has been classified as a Variant of Uncertain Significance.

GeneDx
Classification: Uncertain significance. Last evaluated: 2021-04-07. Review status: criteria provided, single submitter. Criteria: GeneDx Variant Classification Process June 2021. Collection method: clinical testing. Allele origin: germline. Affected: yes.
Comment: Not observed in large population cohorts (Lek et al., 2016); In silico analysis, which includes protein predictors and evolutionary conservation, supports a deleterious effect; Has not been previously published as pathogenic or benign to our knowledge

NM_017780.4(CHD7):c.2425C>T (p.Arg809Cys)

Gene: CHD7 (chromodomain helicase DNA binding protein 7; plus strand). Cytogenetic location: 8q12.2.
Variant type: single nucleotide variant.
Coding change: c.2425C>T on transcript NM_017780.4 (MANE Select); coding-DNA position 2425, C replaced by T.
Protein change: p.Arg809Cys; replaces arginine 809 with cysteine.
Molecular consequence: missense variant. On other transcripts: intron variant (1).
Genome position (GRCh38, 1-based): chr8:60,801,576, C>T. VCF-style: chr8-60801576-C-T. GRCh37 (hg19) VCF-style: chr8-61714135-C-T.
Other names: c.1716+20526C>T (NM_001316690.1); short protein forms R809C.
Identifiers: ClinVar variation 1213222 (VCV001213222.9), dbSNP rs2150711196, ClinGen allele CA371301532.